The following is an entry in ClinVar:

NM_012452.3(TNFRSF13B):c.305_306delinsG (p.Tyr102fs)

Gene: TNFRSF13B (TNF receptor superfamily member 13B; minus strand). Cytogenetic location: 17p11.2.
Variant type: Indel.
Coding change: c.305_306delinsG on transcript NM_012452.3 (MANE Select); coding-DNA positions 305 to 306, AC replaced by G.
Protein change: p.Tyr102fs; shifts the reading frame from tyrosine 102.
Molecular consequence: frameshift variant.
Genome position (GRCh38, 1-based): chr17:16,948,877-16,948,878, GT replaced by C on the plus strand (AC replaced by G on the coding strand, the reverse complement: TNFRSF13B is on the minus strand). VCF-style: chr17-16948877-GT-C. GRCh37 (hg19) VCF-style: chr17-16852191-GT-C.
Other names: short protein forms Y102fs.
Identifiers: ClinVar variation 5018747 (VCV005018747.2).

ClinVar aggregate classification (germline): Likely pathogenic (1 of 4 stars; one submission).

Conditions:
Immunodeficiency, common variable, 2 (CVID2). Also called: HYPOGAMMAGLOBULINEMIA DUE TO TACI DEFICIENCY; ANTIBODY DEFICIENCY DUE TO TACI DEFECT. Identifiers: Orphanet 1572, MedGen C3150354, MONDO:0009413, OMIM 240500.
Immunoglobulin A deficiency 2 (IGAD2). Identifiers: MedGen C1836032, MONDO:0012291, OMIM 609529.

Submission:

Juno Genomics, Hangzhou Juno Genomics, Inc
Classification: Likely pathogenic for Immunodeficiency, common variable, 2; Immunoglobulin A deficiency 2. Review status: criteria provided, single submitter. Criteria: ACMG Guidelines, 2015. Collection method: clinical testing. Allele origin: germline.
Comment: Absent from controls (or at extremely low frequency if recessive) in Genome Aggregation Database.;Null variant in a gene where loss of function (LOF) is a known mechanism of disease.